The following is an entry in ClinVar:

ClinVar aggregate classification (germline): Uncertain significance (1 of 4 stars; one submission).

Conditions:
Inborn genetic diseases. Identifiers: MedGen C0950123, MeSH D030342.

gnomAD v4.1: 1 of 1,614,156 alleles (0.000062%); highest among the groups gnomAD compares: Non-Finnish European, 0.000085%; no homozygotes.

Submission:

Ambry Genetics
Classification: Uncertain significance for Inborn genetic diseases. Last evaluated: 2025-02-05. Review status: criteria provided, single submitter. Criteria: Ambry Variant Classification Scheme 2023. Collection method: clinical testing. Allele origin: germline.
Comment: The p.P632S variant (also known as c.1894C>T), located in coding exon 15 of the BUB1B gene, results from a C to T substitution at nucleotide position 1894. The proline at codon 632 is replaced by serine, an amino acid with similar properties. This amino acid position is conserved. In addition, this alteration is predicted to be tolerated by in silico analysis. Based on the available evidence, the clinical significance of this variant remains unclear.

NM_001211.6(BUB1B):c.1894C>T (p.Pro632Ser)

Gene: BUB1B (BUB1 mitotic checkpoint serine/threonine kinase B; plus strand). Cytogenetic location: 15q15.1.
Variant type: single nucleotide variant.
Coding change: c.1894C>T on transcript NM_001211.6 (MANE Select); coding-DNA position 1894, C replaced by T.
Protein change: p.Pro632Ser; replaces proline 632 with serine.
Molecular consequence: missense variant.
Genome position (GRCh38, 1-based): chr15:40,206,343, C>T. VCF-style: chr15-40206343-C-T. GRCh37 (hg19) VCF-style: chr15-40498544-C-T.
Other names: short protein forms P632S.
Identifiers: ClinVar variation 3826116 (VCV003826116.1).